The following is an entry in ClinVar:

ClinVar aggregate classification (germline): Uncertain significance. Review status: criteria provided, multiple submitters, no conflicts (2 of 4 stars). 2 submissions from 2 submitters: Uncertain significance (2). Last evaluated 2025-02-20.

Conditions:
Inborn genetic diseases. Identifiers: MedGen C0950123, MeSH D030342.

Submissions (2):

Ambry Genetics
Classification: Uncertain significance for Inborn genetic diseases. Last evaluated: 2025-02-20. Review status: criteria provided, single submitter. Criteria: Ambry Variant Classification Scheme 2023. Collection method: clinical testing. Allele origin: germline.

GeneDx
Classification: Uncertain significance. Last evaluated: 2024-02-29. Review status: criteria provided, single submitter. Criteria: GeneDx Variant Classification Process June 2021. Collection method: clinical testing. Allele origin: germline. Affected: yes.
Comment: Not observed at significant frequency in large population cohorts (gnomAD); In silico analysis supports that this missense variant does not alter protein structure/function; Has not been previously published as pathogenic or benign to our knowledge

NM_014991.6(WDFY3):c.3215A>G (p.Asn1072Ser)

Gene: WDFY3 (WD repeat and FYVE domain containing 3; minus strand). Cytogenetic location: 4q21.23.
Variant type: single nucleotide variant.
Coding change: c.3215A>G on transcript NM_014991.6 (MANE Select); coding-DNA position 3215, A replaced by G.
Protein change: p.Asn1072Ser; replaces asparagine 1072 with serine.
Molecular consequence: missense variant.
Genome position (GRCh38, 1-based): chr4:84,794,932, T>C on the plus strand (A>G on the coding strand, the complement: WDFY3 is on the minus strand). VCF-style: chr4-84794932-T-C. GRCh37 (hg19) VCF-style: chr4-85716085-T-C.
Other names: short protein forms N1072S.
Identifiers: ClinVar variation 3373526 (VCV003373526.2).